The following is an entry in ClinVar:

NM_000089.4(COL1A2):c.3311G>A (p.Ser1104Asn)

Gene: COL1A2 (collagen type I alpha 2 chain; plus strand). Cytogenetic location: 7q21.3.
Variant type: single nucleotide variant.
Coding change: c.3311G>A on transcript NM_000089.4 (MANE Select); coding-DNA position 3311, G replaced by A.
Protein change: p.Ser1104Asn; replaces serine 1104 with asparagine.
Molecular consequence: missense variant.
Genome position (GRCh38, 1-based): chr7:94,427,670, G>A. VCF-style: chr7-94427670-G-A. GRCh37 (hg19) VCF-style: chr7-94056982-G-A.
Other names: short protein forms S1104N.
Identifiers: ClinVar variation 526883 (VCV000526883.10), dbSNP rs771438684, ClinGen allele CA4347735.

ClinVar aggregate classification (germline): Uncertain significance. Review status: criteria provided, multiple submitters, no conflicts (2 of 4 stars). 2 submissions from 2 submitters: Uncertain significance (2). Last evaluated 2026-03-31.

Conditions:
Cardiovascular phenotype. Identifiers: MedGen CN230736.
Osteogenesis imperfecta type I (OI1). Also called: OI, TYPE I; OSTEOGENESIS IMPERFECTA TARDA; OSTEOGENESIS IMPERFECTA WITH BLUE SCLERAE; Lobstein's Disease; Classic Non-deforming Osteogenesis Imperfecta with Blue Sclerae; Lobstein disease. Identifiers: Orphanet 216796, Orphanet 666, MedGen C0023931, MONDO:0008146, OMIM 166200. Disease mechanism: loss of function.
Ehlers-Danlos syndrome, classic type, 1 (EDSCL1). Also called: Ehlers-Danlos Syndrome, Classic Type, COL5A1-Related; EDS I; Ehlers-Danlos syndrome, type 1; EHLERS-DANLOS SYNDROME, GRAVIS TYPE; EHLERS-DANLOS SYNDROME, SEVERE CLASSIC TYPE. Identifiers: MedGen C0268335, MONDO:0019567, OMIM 130000.

Allele frequency attached by ClinVar (database versions not stated): gnomAD exomes below 0.00001; gnomAD 0.00001; TOPMed 0.00001; ExAC 0.00001.
gnomAD v4.1: 5 of 1,614,016 alleles (0.00031%); highest among the groups gnomAD compares: Non-Finnish European, 0.00042%; no homozygotes.

Submissions (2):

Ambry Genetics
Classification: Uncertain significance for Cardiovascular phenotype. Last evaluated: 2026-03-31. Review status: criteria provided, single submitter. Criteria: Ambry Variant Classification Scheme 2023. Collection method: clinical testing. Allele origin: germline.

Labcorp Genetics (formerly Invitae), Labcorp
Classification: Uncertain significance for Osteogenesis imperfecta type I; Ehlers-Danlos syndrome, classic type, 1. Last evaluated: 2025-11-11. Review status: criteria provided, single submitter. Criteria: Invitae Variant Classification Sherloc (09022015). Collection method: clinical testing. Allele origin: germline.
Comment: This sequence change replaces serine, which is neutral and polar, with asparagine, which is neutral and polar, at codon 1104 of the COL1A2 protein (p.Ser1104Asn). This variant is present in population databases (rs771438684, gnomAD 0.0009%). This variant has not been reported in the literature in individuals affected with COL1A2-related conditions. ClinVar contains an entry for this variant (Variation ID: 526883). Invitae Evidence Modeling of protein sequence and biophysical properties (such as structural, functional, and spatial information, amino acid conservation, physicochemical variation, residue mobility, and thermodynamic stability) indicates that this missense variant is not expected to disrupt COL1A2 protein function with a negative predictive value of 95%. In summary, the available evidence is currently insufficient to determine the role of this variant in disease. Therefore, it has been classified as a Variant of Uncertain Significance.